The following is an entry in ClinVar:

NM_006612.6(KIF1C):c.2394T>C (p.Ala798=)

Gene: KIF1C (kinesin family member 1C; plus strand). Cytogenetic location: 17p13.2.
Variant type: single nucleotide variant.
Coding change: c.2394T>C on transcript NM_006612.6 (MANE Select); coding-DNA position 2394, T replaced by C.
Protein change: p.Ala798=; no amino-acid change (alanine 798 retained).
Molecular consequence: synonymous variant.
Genome position (GRCh38, 1-based): chr17:5,022,475, T>C. VCF-style: chr17-5022475-T-C. GRCh37 (hg19) VCF-style: chr17-4925770-T-C.
Identifiers: ClinVar variation 4873829 (VCV004873829.2).
Genomic context (GRCh38, chr17:5,022,475, plus strand): 5'-GATGCGGGAGCTGTGTCGCACCTATGGCAAGCCAGACGGCCCCGGAGACGCCTGGAGGGC[T>C]GTGGCCCGGGATGTCTGGGACACTGTAGGCGAGGAGGAAGGAGGTGGAGCTGGCAGTGGT-3'
Protein context (NP_006603.2, residues 788-808): KPDGPGDAWR[Ala798=]VARDVWDTVG

ClinVar aggregate classification (germline): Likely benign (1 of 4 stars; one submission).

gnomAD v4.1: 7 of 1,586,450 alleles (0.00044%); highest among the groups gnomAD compares: African/African-American, 0.0067%; no homozygotes.

Submission:

CeGaT Center for Human Genetics Tuebingen
Classification: Likely benign. Last evaluated: 2026-06-01. Review status: criteria provided, single submitter. Criteria: CeGaT Center For Human Genetics Tuebingen Variant Classification Criteria Version 2. Collection method: clinical testing. Allele origin: germline. Affected: yes. Observed: 1 variant allele.
Comment: KIF1C: BP4, BP7